The following is an entry in ClinVar:

ClinVar aggregate classification (germline): Uncertain significance (1 of 4 stars; one submission).

Allele frequency attached by ClinVar (database versions not stated): ExAC 0.00002; gnomAD 0.00003; ESP Exome Variant Server 0.00008; 1000 Genomes Project 30x 0.00016; 1000 Genomes Project 0.00020.
gnomAD v4.1: 37 of 1,613,532 alleles (0.0023%); highest among the groups gnomAD compares: Middle Eastern, 0.033%; no homozygotes.

Submission:

Labcorp Genetics (formerly Invitae), Labcorp
Classification: Uncertain significance. Last evaluated: 2024-08-26. Review status: criteria provided, single submitter. Criteria: Invitae Variant Classification Sherloc (09022015). Collection method: clinical testing. Allele origin: germline.
Comment: This sequence change replaces alanine, which is neutral and non-polar, with threonine, which is neutral and polar, at codon 755 of the CARMIL2 protein (p.Ala755Thr). This variant is present in population databases (rs372182646, gnomAD 0.02%). This variant has not been reported in the literature in individuals affected with CARMIL2-related conditions. ClinVar contains an entry for this variant (Variation ID: 2077468). An algorithm developed to predict the effect of missense changes on protein structure and function (PolyPhen-2) suggests that this variant¬†is likely to be tolerated. In summary, the available evidence is currently insufficient to determine the role of this variant in disease. Therefore, it has been classified as a Variant of Uncertain Significance.

NM_001013838.3(CARMIL2):c.2263G>A (p.Ala755Thr)

Gene: CARMIL2 (capping protein regulator and myosin 1 linker 2; plus strand). Cytogenetic location: 16q22.1.
Variant type: single nucleotide variant.
Coding change: c.2263G>A on transcript NM_001013838.3 (MANE Select); coding-DNA position 2263, G replaced by A.
Protein change: p.Ala755Thr; replaces alanine 755 with threonine.
Molecular consequence: missense variant.
Genome position (GRCh38, 1-based): chr16:67,651,265, G>A. VCF-style: chr16-67651265-G-A. GRCh37 (hg19) VCF-style: chr16-67685168-G-A.
Other names: c.2155G>A, p.Ala719Thr (NM_001317026.3); short protein forms A719T, A755T.
Identifiers: ClinVar variation 2077468 (VCV002077468.2), dbSNP rs372182646, ClinGen allele CA8113729.